The following is an entry in ClinVar:

NM_147686.4(TRAF3IP2):c.259G>A (p.Val87Ile)

Genes: TRAF3IP2 (TRAF3 interacting protein 2; minus strand), TRAF3IP2-AS1 (TRAF3IP2 antisense RNA 1; plus strand), LOC114803478 (TRAF3IP2 eExon liver enhancer; plus strand). Cytogenetic location: 6q21.
Variant type: single nucleotide variant.
Coding change: c.259G>A on transcript NM_147686.4 (MANE Select); coding-DNA position 259, G replaced by A.
Protein change: p.Val87Ile; replaces valine 87 with isoleucine.
Molecular consequence: missense variant.
Genome position (GRCh38, 1-based): chr6:111,591,828, C>T on the plus strand (G>A on the coding strand, the complement: TRAF3IP2 is on the minus strand). VCF-style: chr6-111591828-C-T. GRCh37 (hg19) VCF-style: chr6-111913031-C-T.
Other names: c.259G>A, p.Val87Ile (NM_001164281.3); c.286G>A, p.Val96Ile (NM_147200.3); short protein forms V87I, V96I.
Identifiers: ClinVar variation 1947995 (VCV001947995.2), dbSNP rs138172773, ClinGen allele CA3963355.

ClinVar aggregate classification (germline): Uncertain significance (1 of 4 stars; one submission).

Conditions:
Candidiasis, familial, 8 (CANDF8). Identifiers: Orphanet 1334, MedGen C3714992, MONDO:0014230, OMIM 615527.

Allele frequency attached by ClinVar (database versions not stated): gnomAD exomes below 0.00001; ExAC 0.00002; gnomAD 0.00003; TOPMed 0.00004; ESP Exome Variant Server 0.00008.

Submission:

Labcorp Genetics (formerly Invitae), Labcorp
Classification: Uncertain significance for Candidiasis, familial, 8. Last evaluated: 2022-02-14. Review status: criteria provided, single submitter. Criteria: Invitae Variant Classification Sherloc (09022015). Collection method: clinical testing. Allele origin: germline.
Comment: This sequence change replaces valine, which is neutral and non-polar, with isoleucine, which is neutral and non-polar, at codon 87 of the TRAF3IP2 protein (p.Val87Ile). This variant is present in population databases (rs138172773, gnomAD 0.02%). This variant has not been reported in the literature in individuals affected with TRAF3IP2-related conditions. Algorithms developed to predict the effect of missense changes on protein structure and function output the following: SIFT: "Tolerated"; PolyPhen-2: "Benign"; Align-GVGD: "Class C0". The isoleucine amino acid residue is found in multiple mammalian species, which suggests that this missense change does not adversely affect protein function. In summary, the available evidence is currently insufficient to determine the role of this variant in disease. Therefore, it has been classified as a Variant of Uncertain Significance.